The following is an entry in ClinVar:

NM_000238.4(KCNH2):c.695G>C (p.Arg232Pro)

Gene: KCNH2 (potassium voltage-gated channel subfamily H member 2; minus strand). Cytogenetic location: 7q36.1.
Variant type: single nucleotide variant.
Coding change: c.695G>C on transcript NM_000238.4 (MANE Select); coding-DNA position 695, G replaced by C.
Protein change: p.Arg232Pro; replaces arginine 232 with proline.
Molecular consequence: missense variant.
Genome position (GRCh38, 1-based): chr7:150,958,280, C>G on the plus strand (G>C on the coding strand, the complement: KCNH2 is on the minus strand). VCF-style: chr7-150958280-C-G. GRCh37 (hg19) VCF-style: chr7-150655368-C-G.
Other names: c.407G>C, p.Arg136Pro (NM_001406753.1, NM_001406756.1); c.518G>C, p.Arg173Pro (NM_001406755.1); c.395G>C, p.Arg132Pro (NM_001406757.1); c.695G>C, p.Arg232Pro (NM_172056.3); short protein forms R232P, R132P, R136P, R173P.
Identifiers: ClinVar variation 1407667 (VCV001407667.10), dbSNP rs886039160, ClinGen allele CA169081316.

ClinVar aggregate classification (germline): Uncertain significance. Review status: criteria provided, multiple submitters, no conflicts (2 of 4 stars). 2 submissions from 2 submitters: Uncertain significance (2). Last evaluated 2025-05-14.

Conditions:
Cardiovascular phenotype. Identifiers: MedGen CN230736.
Long QT syndrome (LQTS). Identifiers: MedGen C0023976, MeSH D008133, MONDO:0002442. Disease mechanism: loss of function. Inheritance: Various modes of inheritance.

Allele frequency attached by ClinVar (database versions not stated): gnomAD exomes 0.00001.
gnomAD v4.1: 5 of 1,457,728 alleles (0.00034%); highest among the groups gnomAD compares: African/African-American, 0.0029%; no homozygotes.

Submissions (2):

Labcorp Genetics (formerly Invitae), Labcorp
Classification: Uncertain significance for Long QT syndrome. Last evaluated: 2025-05-14. Review status: criteria provided, single submitter. Criteria: Invitae Variant Classification Sherloc (09022015). Collection method: clinical testing. Allele origin: germline.
Comment: This sequence change replaces arginine, which is basic and polar, with proline, which is neutral and non-polar, at codon 232 of the KCNH2 protein (p.Arg232Pro). This variant is present in population databases (no rsID available, gnomAD 0.003%). This variant has not been reported in the literature in individuals affected with KCNH2-related conditions. ClinVar contains an entry for this variant (Variation ID: 1407667). An algorithm developed to predict the effect of missense changes on protein structure and function (PolyPhen-2) suggests that this variant is likely to be tolerated. In summary, the available evidence is currently insufficient to determine the role of this variant in disease. Therefore, it has been classified as a Variant of Uncertain Significance.

Ambry Genetics
Classification: Uncertain significance for Cardiovascular phenotype. Last evaluated: 2024-01-03. Review status: criteria provided, single submitter. Criteria: Ambry Variant Classification Scheme 2023. Collection method: clinical testing. Allele origin: germline.
Comment: The p.R232P variant (also known as c.695G>C), located in coding exon 4 of the KCNH2 gene, results from a G to C substitution at nucleotide position 695. The arginine at codon 232 is replaced by proline, an amino acid with dissimilar properties. This amino acid position is not well conserved in available vertebrate species. In addition, the in silico prediction for this alteration is inconclusive. Since supporting evidence is limited at this time, the clinical significance of this alteration remains unclear.